The following is an entry in ClinVar:

ClinVar aggregate classification (germline): Likely pathogenic. Review status: criteria provided, multiple submitters, no conflicts (2 of 4 stars). 3 submissions from 3 submitters: Likely pathogenic (3). Last evaluated 2025-07-10.

Conditions:
Congenital myotonia, autosomal recessive form. Also called: BECKER DISEASE; Becker Generalized Myotonia; myotonia congenita, autosomal recessive. Identifiers: Orphanet 614, MedGen C0751360, MONDO:0009715, OMIM 255700.
Congenital myotonia, autosomal dominant form (THD). Also called: THOMSEN DISEASE; Myotonia congenita autosomal dominant. Identifiers: Orphanet 614, MedGen C2936781, MONDO:0008055, OMIM 160800.

gnomAD v4.1: 3 of 1,613,744 alleles (0.00019%); highest among the groups gnomAD compares: Non-Finnish European, 0.00025%; no homozygotes.

Submissions (3):

Women's Health and Genetics/Laboratory Corporation of America, LabCorp
Classification: Likely pathogenic for Congenital myotonia, autosomal recessive form. Last evaluated: 2025-07-10. Review status: criteria provided, single submitter. Criteria: LabCorp Variant Classification Summary - May 2015. Collection method: clinical testing. Allele origin: germline.
Comment: Variant summary: CLCN1 c.1606G>C (p.Val536Leu) results in a conservative amino acid change in the encoded protein sequence. Algorithms developed to predict the effect of missense changes on protein structure and function are either unavailable or do not agree on the potential impact of this missense change. The variant allele was found at a frequency of 4e-06 in 251390 control chromosomes. c.1606G>C has been observed in individuals affected with Myotonia congenita (e.g., Brugnoni_2013, Lucchiari_2013). At least one publication reports experimental evidence evaluating an impact on protein function. The most pronounced variant effect results in a 53% to 63% reduction in activation rate of the common gate (Lucchiari_2013). A variant at this same position (c.1606G>A; Val536Ile) has been reported in publications in affected individuals and has been classified as pathogenic/likely pathogenic by multiple contributors in ClinVar, suggesting this codon could be critical for normal function of the protein. The following publications have been ascertained in the context of this evaluation (PMID: 24304580, 23739125, 22521272). ClinVar contains an entry for this variant (Variation ID: 2925425). Based on the evidence outlined above, the variant was classified as likely pathogenic.

Fulgent Genetics
Classification: Likely pathogenic for Congenital myotonia, autosomal dominant form; Congenital myotonia, autosomal recessive form. Last evaluated: 2024-06-18. Review status: criteria provided, single submitter. Criteria: ACMG Guidelines, 2015. Collection method: clinical testing. Allele origin: germline.

Labcorp Genetics (formerly Invitae), Labcorp
Classification: Likely pathogenic for Congenital myotonia, autosomal recessive form; Congenital myotonia, autosomal dominant form. Last evaluated: 2023-03-22. Review status: criteria provided, single submitter. Criteria: Invitae Variant Classification Sherloc (09022015). Collection method: clinical testing. Allele origin: germline.
Comment: This sequence change replaces valine, which is neutral and non-polar, with leucine, which is neutral and non-polar, at codon 536 of the CLCN1 protein (p.Val536Leu). This variant is present in population databases (no rsID available, gnomAD 0.0009%). This missense change has been observed in individual(s) with autosomal recessive myotonia congenita (PMID: 24304580). Advanced modeling of protein sequence and biophysical properties (such as structural, functional, and spatial information, amino acid conservation, physicochemical variation, residue mobility, and thermodynamic stability) performed at Invitae indicates that this missense variant is expected to disrupt CLCN1 protein function. Experimental studies have shown that this missense change affects CLCN1 function (PMID: 24304580). Algorithms developed to predict the effect of sequence changes on RNA splicing suggest that this variant may create or strengthen a splice site. This variant disrupts the p.Val536 amino acid residue in CLCN1. Other variant(s) that disrupt this residue have been determined to be pathogenic (PMID: 23152584; Invitae). This suggests that this residue is clinically significant, and that variants that disrupt this residue are likely to be disease-causing. In summary, the currently available evidence indicates that the variant is pathogenic, but additional data are needed to prove that conclusively. Therefore, this variant has been classified as Likely Pathogenic.

Literature cited by the submitters: PubMed 23739125 (cited by Women's Health and Genetics/Laboratory Corporation of America, LabCorp); PubMed 22521272 (cited by Women's Health and Genetics/Laboratory Corporation of America, LabCorp); PubMed 24304580 (cited by Women's Health and Genetics/Laboratory Corporation of America, LabCorp and Labcorp Genetics (formerly Invitae), Labcorp); PubMed 23152584 (cited by Labcorp Genetics (formerly Invitae), Labcorp).

NM_000083.3(CLCN1):c.1606G>C (p.Val536Leu)

Gene: CLCN1 (chloride voltage-gated channel 1; plus strand). Cytogenetic location: 7q34.
Variant type: single nucleotide variant.
Coding change: c.1606G>C on transcript NM_000083.3 (MANE Select); coding-DNA position 1606, G replaced by C.
Protein change: p.Val536Leu; replaces valine 536 with leucine.
Molecular consequence: missense variant. On other transcripts: non-coding transcript variant (1).
Genome position (GRCh38, 1-based): chr7:143,341,952, G>C. VCF-style: chr7-143341952-G-C. GRCh37 (hg19) VCF-style: chr7-143039045-G-C.
Other names: short protein forms V536L.
Identifiers: ClinVar variation 2925425 (VCV002925425.6), dbSNP rs777685454, ClinGen allele CA369646385.